The following is an entry in ClinVar:

ClinVar aggregate classification (germline): Conflicting classifications of pathogenicity. Review status: criteria provided, conflicting classifications (1 of 4 stars). 15 submissions from 14 submitters: Uncertain significance (5); Likely benign (8). 2 of the submissions do not count toward it. Last evaluated 2026-01-12.

Conditions:
Hereditary breast ovarian cancer syndrome. Also called: Breast and ovarian cancer; Hereditary breast and ovarian cancer; Hereditary breast and ovarian cancer syndrome; BRCA1- and BRCA2-Associated Hereditary Breast and Ovarian Cancer; Hereditary breast and ovarian cancer syndrome (HBOC); Hereditary breast and/or ovarian cancer syndrome. Identifiers: Orphanet 145, MedGen C0677776, MeSH D061325, MONDO:0003582. Disease mechanism: loss of function.
Hereditary cancer-predisposing syndrome. Also called: Tumor predisposition; Hereditary Cancer Syndrome; Neoplastic Syndromes, Hereditary; Hereditary neoplastic syndrome. Identifiers: Orphanet 140162, MedGen C0027672, MeSH D009386, MONDO:0015356.
Inherited breast cancer and ovarian cancer.
Fanconi anemia complementation group D1. Also called: BRCA2-Related Fanconi Anemia. Identifiers: Orphanet 319462, MedGen C1838457, MONDO:0011584, OMIM 605724.
Breast-ovarian cancer, familial, susceptibility to, 2 (BROVCA2). Also called: BRCA2 Hereditary Breast and Ovarian Cancer. Identifiers: Orphanet 145, MedGen C2675520, MONDO:0012933, OMIM 612555. Disease mechanism: loss of function.

Allele frequency attached by ClinVar (database versions not stated): gnomAD 0.00001; gnomAD exomes 0.00001.

Submissions (15):

Cambridge Genomics Laboratory, East Genomic Laboratory Hub, NHS Genomic Medicine Service
Classification: Uncertain significance for Inherited breast cancer and ovarian cancer. Last evaluated: 2026-01-12. Review status: criteria provided, single submitter. Criteria: ACGS Best Practice Guidelines for Variant Classification in Rare Disease 2020. Collection method: clinical testing. Allele origin: germline. Affected: yes.
Comment: PM2_Supporting,BP1

Labcorp Genetics (formerly Invitae), Labcorp
Classification: Likely benign for Hereditary breast ovarian cancer syndrome. Last evaluated: 2025-11-23. Review status: criteria provided, single submitter. Criteria: Invitae Variant Classification Sherloc (09022015). Collection method: clinical testing. Allele origin: germline.

Women's Health and Genetics/Laboratory Corporation of America, LabCorp
Classification: Uncertain significance. Last evaluated: 2025-10-29. Review status: criteria provided, single submitter. Criteria: LabCorp Variant Classification Summary - May 2015. Collection method: clinical testing. Allele origin: germline.
Comment: Variant summary: BRCA2 c.6540G>C (p.Leu2180Phe) results in a non-conservative amino acid change in the encoded protein sequence. Algorithms developed to predict the effect of missense changes on protein structure and function are either unavailable or do not agree on the potential impact of this missense change. The variant allele was found at a frequency of 8.2e-06 in 244134 control chromosomes. The available data on variant occurrences in the general population are insufficient to allow any conclusion about variant significance. c.6540G>C has been reported in the literature in at least one individual affected with Hereditary Breast And Ovarian Cancer Syndrome (Meisel_2017, Sadowski_2017). These reports do not provide unequivocal conclusions about association of the variant with Hereditary Breast And Ovarian Cancer Syndrome. To our knowledge, no experimental evidence demonstrating an impact on protein function has been reported. The following publications have been ascertained in the context of this evaluation (PMID: 28324225, 28807866). ClinVar contains an entry for this variant (Variation ID: 91452). Based on the evidence outlined above, the variant was classified as uncertain significance.

Quest Diagnostics Nichols Institute San Juan Capistrano
Classification: Uncertain significance. Last evaluated: 2025-02-18. Review status: criteria provided, single submitter. Criteria: Quest Diagnostics criteria. Collection method: clinical testing. Allele origin: unknown.
Comment: The BRCA2 c.6540G>C (p.Leu2180Phe) variant has been reported in the published literature in families with hereditary breast and/or ovarian cancer (PMID: 28324225 (2017), 28807866 (2017)). In a large scale breast cancer association study, this variant has been observed in a reportedly healthy individual (PMID: 33471991 (2021), see also LOVD). It is also predicted to have a low probability of being pathogenic using a Bayesian hierarchical method (PMID: 18418466 (2005)), and described to be located in a region of the BRCA2 gene that is tolerant to missense sequence changes (PMID: 31911673 (2020)). The frequency of this variant in the general population (Genome Aggregation Database) is uninformative in the assessment of its pathogenicity. Analysis of this variant using bioinformatics tools for the prediction of the effect of amino acid changes on protein structure and function yielded predictions that this variant is benign. Based on the available information, we are unable to determine the clinical significance of this variant.

Mayo Clinic Laboratories, Mayo Clinic
Classification: Likely benign. Last evaluated: 2025-02-14. Review status: criteria provided, single submitter. Criteria: ACMG Guidelines, 2015. Collection method: clinical testing. Allele origin: germline. Observed: 1 variant allele.
Comment: BP1_strong

All of Us Research Program, National Institutes of Health
Classification: Likely benign for Breast-ovarian cancer, familial, susceptibility to, 2. Last evaluated: 2024-02-05. Review status: criteria provided, single submitter. Criteria: ACMG Guidelines, 2015. Collection method: clinical testing. Allele origin: germline. Inheritance: Autosomal dominant inheritance. Observed: 7 variant alleles, 7 heterozygotes.
Comment: This study involves interpretation of variants in research participants for the purpose of population health screening. Participant phenotype was not available at the time of variant classification. Additional details can be found in publication PMID: 35346344, PMCID: PMC8962531

University of Washington Department of Laboratory Medicine, University of Washington
Classification: Likely benign for Hereditary cancer-predisposing syndrome. Last evaluated: 2023-03-23. Review status: criteria provided, single submitter. Criteria: Dines et al. (Genet Med. 2020). Collection method: curation. Allele origin: germline.
Comment: Missense variant in a coldspot region where missense variants are very unlikely to be pathogenic (PMID:31911673).

BRCA2 exon 11 coldspot. Reclassification based on statistical prior probability.

Ambry Genetics
Classification: Likely benign for Hereditary cancer-predisposing syndrome. Last evaluated: 2018-08-31. Review status: criteria provided, single submitter. Criteria: Ambry Variant Classification Scheme 2023. Collection method: clinical testing. Allele origin: germline.

Illumina Laboratory Services, Illumina
Classification: Uncertain significance for Breast-ovarian cancer, familial, susceptibility to, 2. Last evaluated: 2018-01-13. Review status: criteria provided, single submitter. Criteria: ICSL Variant Classification Criteria 13 December 2019. Collection method: clinical testing. Allele origin: germline.

Illumina Laboratory Services, Illumina
Classification: Uncertain significance for Fanconi anemia complementation group D1. Last evaluated: 2018-01-13. Review status: criteria provided, single submitter. Criteria: ICSL Variant Classification Criteria 13 December 2019. Collection method: clinical testing. Allele origin: germline.

GeneDx
Classification: Likely benign. Last evaluated: 2016-11-07. Review status: criteria provided, single submitter. Criteria: GeneDx Variant Classification (06012015). Collection method: clinical testing. Allele origin: germline. Affected: yes.
Comment: This variant is considered likely benign or benign based on one or more of the following criteria: it is a conservative change, it occurs at a poorly conserved position in the protein, it is predicted to be benign by multiple in silico algorithms, and/or has population frequency not consistent with disease.

Genetic Services Laboratory, University of Chicago
Classification: Likely benign. Last evaluated: 2015-10-12. Review status: criteria provided, single submitter. Criteria: ACMG Guidelines, 2015. Collection method: clinical testing. Allele origin: germline. Affected: no.

Color Diagnostics, LLC DBA Color Health
Classification: Likely benign for Hereditary cancer-predisposing syndrome. Last evaluated: 2015-03-11. Review status: criteria provided, single submitter. Criteria: ACMG Guidelines, 2015. Collection method: clinical testing. Allele origin: germline.

Counsyl
Classification: Uncertain significance for Breast-ovarian cancer, familial, susceptibility to, 2. Last evaluated: 2017-12-14. Review status: no assertion criteria provided. Collection method: clinical testing. Allele origin: unknown. Not counted in ClinVar's aggregate classification.

Sharing Clinical Reports Project (SCRP)
Classification: Benign for Breast-ovarian cancer, familial 2. Last evaluated: 2012-04-24. Review status: no assertion criteria provided. Collection method: clinical testing. Allele origin: germline. Not counted in ClinVar's aggregate classification.

Literature cited by the submitters: PubMed 28324225 (cited by 3 submitters); PubMed 28807866 (cited by Women's Health and Genetics/Laboratory Corporation of America, LabCorp and Quest Diagnostics Nichols Institute San Juan Capistrano); PubMed 29302806 (cited by Quest Diagnostics Nichols Institute San Juan Capistrano); PubMed 33471991 (cited by Quest Diagnostics Nichols Institute San Juan Capistrano); PubMed 31911673 (cited by Quest Diagnostics Nichols Institute San Juan Capistrano); PubMed 18418466 (cited by Quest Diagnostics Nichols Institute San Juan Capistrano).

NM_000059.4(BRCA2):c.6540G>C (p.Leu2180Phe)

Gene: BRCA2 (BRCA2 DNA repair associated; plus strand). Cytogenetic location: 13q13.1.
Variant type: single nucleotide variant.
Coding change: c.6540G>C on transcript NM_000059.4 (MANE Select); coding-DNA position 6540, G replaced by C.
Protein change: p.Leu2180Phe; replaces leucine 2180 with phenylalanine.
Molecular consequence: missense variant.
Genome position (GRCh38, 1-based): chr13:32,340,895, G>C. VCF-style: chr13-32340895-G-C. GRCh37 (hg19) VCF-style: chr13-32915032-G-C.
Other names: p.L2180F:TTG>TTC; p.Leu2180Phe; 6768G>C; short protein forms L2180F.
Identifiers: ClinVar variation 91452 (VCV000091452.39), dbSNP rs398122560, ClinGen allele CA024153.